The following is an entry in ClinVar:

NM_014319.5(LEMD3):c.694C>T (p.Pro232Ser)

Gene: LEMD3 (LEM domain containing 3; plus strand). Cytogenetic location: 12q14.3.
Variant type: single nucleotide variant.
Coding change: c.694C>T on transcript NM_014319.5 (MANE Select); coding-DNA position 694, C replaced by T.
Protein change: p.Pro232Ser; replaces proline 232 with serine.
Molecular consequence: missense variant.
Genome position (GRCh38, 1-based): chr12:65,170,290, C>T. VCF-style: chr12-65170290-C-T. GRCh37 (hg19) VCF-style: chr12-65564070-C-T.
Other names: c.694C>T, p.Pro232Ser (NM_001167614.2); short protein forms P232S.
Identifiers: ClinVar variation 3537812 (VCV003537812.2).

ClinVar aggregate classification (germline): Uncertain significance. Review status: criteria provided, multiple submitters, no conflicts (2 of 4 stars). 2 submissions from 2 submitters: Uncertain significance (2). Last evaluated 2025-08-25.

Conditions:
Inborn genetic diseases. Identifiers: MedGen C0950123, MeSH D030342.

Submissions (2):

Labcorp Genetics (formerly Invitae), Labcorp
Classification: Uncertain significance. Last evaluated: 2025-08-25. Review status: criteria provided, single submitter. Criteria: Invitae Variant Classification Sherloc (09022015). Collection method: clinical testing. Allele origin: germline.
Comment: This sequence change replaces proline, which is neutral and non-polar, with serine, which is neutral and polar, at codon 232 of the LEMD3 protein (p.Pro232Ser). This variant is not present in population databases (gnomAD no frequency). This variant has not been reported in the literature in individuals affected with LEMD3-related conditions. ClinVar contains an entry for this variant (Variation ID: 3537812). Invitae Evidence Modeling of protein sequence and biophysical properties (such as structural, functional, and spatial information, amino acid conservation, physicochemical variation, residue mobility, and thermodynamic stability) indicates that this missense variant is not expected to disrupt LEMD3 protein function with a negative predictive value of 80%. In summary, the available evidence is currently insufficient to determine the role of this variant in disease. Therefore, it has been classified as a Variant of Uncertain Significance.

Ambry Genetics
Classification: Uncertain significance for Inborn genetic diseases. Last evaluated: 2024-09-09. Review status: criteria provided, single submitter. Criteria: Ambry Variant Classification Scheme 2023. Collection method: clinical testing. Allele origin: germline.